The following is an entry in ClinVar:

NM_001457.4(FLNB):c.6072C>T (p.Ile2024=)

Gene: FLNB (filamin B; plus strand). Cytogenetic location: 3p14.3.
Variant type: single nucleotide variant.
Coding change: c.6072C>T on transcript NM_001457.4 (MANE Select); coding-DNA position 6072, C replaced by T.
Protein change: p.Ile2024=; no amino-acid change (isoleucine 2024 retained).
Molecular consequence: synonymous variant.
Genome position (GRCh38, 1-based): chr3:58,148,833, C>T. VCF-style: chr3-58148833-C-T. GRCh37 (hg19) VCF-style: chr3-58134560-C-T.
Other names: c.6165C>T, p.Ile2055= (NM_001164317.2); c.6039C>T, p.Ile2013= (NM_001164318.2); c.6000C>T, p.Ile2000= (NM_001164319.2).
Identifiers: ClinVar variation 507740 (VCV000507740.14), dbSNP rs144036986, ClinGen allele CA2469236.

ClinVar aggregate classification (germline): Likely benign. Review status: criteria provided, multiple submitters, no conflicts (2 of 4 stars). 4 submissions from 4 submitters: Likely benign (3). 1 of the submissions does not count toward it. Last evaluated 2025-03-05.

Conditions:
FLNB-related disorder. Also called: FLNB-related disorders; FLNB-related condition. Identifiers: MedGen CN381095.

Allele frequency attached by ClinVar (database versions not stated): gnomAD exomes 0.00002 and 0.00007; ExAC 0.00008; 1000 Genomes Project 30x 0.00031; ESP Exome Variant Server 0.00031; TOPMed 0.00031; gnomAD 0.00034 and 0.00036; 1000 Genomes Project 0.00040.
gnomAD v4.1: 88 of 1,613,126 alleles (0.0055%); highest among the groups gnomAD compares: African/African-American, 0.099%; no homozygotes.

Submissions (4):

Labcorp Genetics (formerly Invitae), Labcorp
Classification: Likely benign. Last evaluated: 2025-03-05. Review status: criteria provided, single submitter. Criteria: Invitae Variant Classification Sherloc (09022015). Collection method: clinical testing. Allele origin: germline.

Blueprint Genetics
Classification: Likely benign. Last evaluated: 2024-09-05. Review status: criteria provided, single submitter. Criteria: ACMG Guidelines, 2015. Collection method: clinical testing. Allele origin: germline.

GeneDx
Classification: Likely benign. Last evaluated: 2018-04-20. Review status: criteria provided, single submitter. Criteria: GeneDx Variant Classification Process June 2021. Collection method: clinical testing. Allele origin: germline. Affected: yes.

PreventionGenetics, part of Exact Sciences
Classification: Likely benign for FLNB-related condition. Last evaluated: 2019-04-12. Review status: no assertion criteria provided. Collection method: clinical testing. Allele origin: germline. Not counted in ClinVar's aggregate classification.
Comment: This variant is classified as likely benign based on ACMG/AMP sequence variant interpretation guidelines (Richards et al. 2015 PMID: 25741868, with internal and published modifications).